The following is an entry in ClinVar:

NM_000535.7(PMS2):c.2446G>C (p.Val816Leu)

Gene: PMS2 (PMS1 homolog 2, mismatch repair system component; minus strand). Cytogenetic location: 7p22.1.
Variant type: single nucleotide variant.
Coding change: c.2446G>C on transcript NM_000535.7 (MANE Select); coding-DNA position 2446, G replaced by C.
Protein change: p.Val816Leu; replaces valine 816 with leucine.
Molecular consequence: missense variant. On other transcripts: non-coding transcript variant (1).
Genome position (GRCh38, 1-based): chr7:5,973,542, C>G on the plus strand (G>C on the coding strand, the complement: PMS2 is on the minus strand). VCF-style: chr7-5973542-C-G. GRCh37 (hg19) VCF-style: chr7-6013173-C-G.
Other names: c.2041G>C, p.Val681Leu (NM_001018040.1, NM_001322003.2, NM_001322004.2 and 12 more transcripts); c.2290G>C, p.Val764Leu (NM_001322006.2); c.2128G>C, p.Val710Leu (NM_001322007.2, NM_001322008.2, NM_001406883.1); c.2074G>C, p.Val692Leu (NM_001322009.2, NM_001406887.1, NM_001406888.1); c.1885G>C, p.Val629Leu (NM_001322010.2, NM_001406906.1, NM_001406907.1); c.1513G>C, p.Val505Leu (NM_001322011.2, NM_001322012.2); c.1873G>C, p.Val625Leu (NM_001322013.2, NM_001406908.1, NM_001406909.1); c.2479G>C, p.Val827Leu (NM_001322014.2); and 20 more; short protein forms V415L, V577L, V625L, V661L, V692L, V724L, V764L, V775L.
Identifiers: ClinVar variation 2064042 (VCV002064042.6), dbSNP rs876659479, ClinGen allele CA366735044.

ClinVar aggregate classification (germline): Uncertain significance. Review status: criteria provided, multiple submitters, no conflicts (2 of 4 stars). 3 submissions from 3 submitters: Uncertain significance (3). Last evaluated 2024-09-13.

Conditions:
Hereditary nonpolyposis colorectal neoplasms. Identifiers: MedGen C0009405, MeSH D003123.
Hereditary cancer-predisposing syndrome. Also called: Tumor predisposition; Hereditary neoplastic syndrome; Neoplastic Syndromes, Hereditary; Hereditary Cancer Syndrome. Identifiers: Orphanet 140162, MedGen C0027672, MeSH D009386, MONDO:0015356.

Submissions (3):

Color Diagnostics, LLC DBA Color Health
Classification: Uncertain significance for Hereditary cancer-predisposing syndrome. Last evaluated: 2024-09-13. Review status: criteria provided, single submitter. Criteria: ACMG Guidelines, 2015. Collection method: clinical testing. Allele origin: germline.
Comment: This missense variant replaces valine with leucine at codon 816 of the PMS2 protein. Computational prediction suggests that this variant may have deleterious impact on protein structure and function (internally defined REVEL score threshold >= 0.7, PMID: 27666373). To our knowledge, functional studies have not been reported for this variant. This variant has not been reported in individuals affected with PMS2-related disorders in the literature. This variant has not been identified in the general population by the Genome Aggregation Database (gnomAD). The available evidence is insufficient to determine the role of this variant in disease conclusively. Therefore, this variant is classified as a Variant of Uncertain Significance.

GeneDx
Classification: Uncertain significance. Last evaluated: 2024-06-27. Review status: criteria provided, single submitter. Criteria: GeneDx Variant Classification Process June 2021. Collection method: clinical testing. Allele origin: germline. Affected: yes.
Comment: Not observed at significant frequency in large population cohorts (gnomAD); In silico analysis indicates that this missense variant does not alter protein structure/function; In silico analysis is inconclusive as to whether the variant alters gene splicing. In the absence of RNA/functional studies, the actual effect of this sequence change is unknown.; Has not been previously published as pathogenic or benign to our knowledge; This variant is associated with the following publications: (PMID: Fukui2011[Chapter])

Labcorp Genetics (formerly Invitae), Labcorp
Classification: Uncertain significance for Hereditary nonpolyposis colorectal neoplasms. Last evaluated: 2022-09-06. Review status: criteria provided, single submitter. Criteria: Invitae Variant Classification Sherloc (09022015). Collection method: clinical testing. Allele origin: germline.
Comment: In summary, the available evidence is currently insufficient to determine the role of this variant in disease. Therefore, it has been classified as a Variant of Uncertain Significance. Algorithms developed to predict the effect of sequence changes on RNA splicing suggest that this variant may create or strengthen a splice site. Algorithms developed to predict the effect of missense changes on protein structure and function are either unavailable or do not agree on the potential impact of this missense change (SIFT: "Tolerated"; PolyPhen-2: "Probably Damaging"; Align-GVGD: "Class C0"). This variant has not been reported in the literature in individuals affected with PMS2-related conditions. The frequency data for this variant in the population databases (gnomAD) is considered unreliable due to the presence of homologous sequence, such as pseudogenes or paralogs, in the genome. This sequence change replaces valine, which is neutral and non-polar, with leucine, which is neutral and non-polar, at codon 816 of the PMS2 protein (p.Val816Leu).